The following is an entry in ClinVar:

ClinVar aggregate classification (germline): Uncertain significance. Review status: criteria provided, multiple submitters, no conflicts (2 of 4 stars). 2 submissions from 2 submitters: Uncertain significance (2). Last evaluated 2025-08-11.

Conditions:
Dilated cardiomyopathy 1GG (CMD1GG). Identifiers: Orphanet 154, MedGen C3150898, MONDO:0013339, OMIM 613642.
Pheochromocytoma/paraganglioma syndrome 5. Also called: Paragangliomas 5; SDHA-Related Hereditary Paraganglioma-Pheochromocytoma Syndrome. Identifiers: Orphanet 29072, MedGen C3279992, MONDO:0013602, OMIM 614165.
Mitochondrial complex II deficiency, nuclear type 1. Also called: SUCCINATE CoQ REDUCTASE DEFICIENCY. Identifiers: Orphanet 3208, MedGen C5700310, MONDO:0100294, OMIM 252011.

Allele frequency attached by ClinVar (database versions not stated): gnomAD exomes below 0.00001; TOPMed below 0.00001.

Submissions (2):

Labcorp Genetics (formerly Invitae), Labcorp
Classification: Uncertain significance for Pheochromocytoma/paraganglioma syndrome 5; Mitochondrial complex II deficiency, nuclear type 1. Last evaluated: 2025-08-11. Review status: criteria provided, single submitter. Criteria: Invitae Variant Classification Sherloc (09022015). Collection method: clinical testing. Allele origin: germline.
Comment: This sequence change replaces proline, which is neutral and non-polar, with serine, which is neutral and polar, at codon 482 of the SDHA protein (p.Pro482Ser). This variant is present in population databases (no rsID available, gnomAD 0.003%). This variant has not been reported in the literature in individuals affected with SDHA-related conditions. ClinVar contains an entry for this variant (Variation ID: 2678609). Invitae Evidence Modeling of protein sequence and biophysical properties (such as structural, functional, and spatial information, amino acid conservation, physicochemical variation, residue mobility, and thermodynamic stability) indicates that this missense variant is not expected to disrupt SDHA protein function with a negative predictive value of 95%. In summary, the available evidence is currently insufficient to determine the role of this variant in disease. Therefore, it has been classified as a Variant of Uncertain Significance.

Baylor Genetics
Classification: Uncertain significance for Dilated cardiomyopathy 1GG. Last evaluated: 2023-10-01. Review status: criteria provided, single submitter. Criteria: ACMG Guidelines, 2015. Collection method: clinical testing. Allele origin: unknown.

NM_004168.4(SDHA):c.1444C>T (p.Pro482Ser)

Gene: SDHA (succinate dehydrogenase complex flavoprotein subunit A; plus strand). Cytogenetic location: 5p15.33.
Variant type: single nucleotide variant.
Coding change: c.1444C>T on transcript NM_004168.4 (MANE Select); coding-DNA position 1444, C replaced by T.
Protein change: p.Pro482Ser; replaces proline 482 with serine.
Molecular consequence: missense variant.
Genome position (GRCh38, 1-based): chr5:240,369, C>T. VCF-style: chr5-240369-C-T. GRCh37 (hg19) VCF-style: chr5-240484-C-T.
Other names: c.1300C>T, p.Pro434Ser (NM_001294332.2); c.1444C>T, p.Pro482Ser (NM_001330758.2); short protein forms P434S, P482S.
Identifiers: ClinVar variation 2678609 (VCV002678609.4), dbSNP rs1205384855, ClinGen allele CA359014181.